The following is an entry in ClinVar:

ClinVar aggregate classification (germline): Conflicting classifications of pathogenicity. Review status: criteria provided, conflicting classifications (1 of 4 stars). 4 submissions from 4 submitters: Uncertain significance (3); Likely benign (1). Last evaluated 2025-12-24.

Conditions:
Epidermolysis bullosa simplex with nail dystrophy (EBS5D). Identifiers: MedGen C4225309, MONDO:0014661, OMIM 616487.
Epidermolysis bullosa simplex, Ogna type (EBS5A). Also called: Pidermolysis bullosa simplex 5A, Ogna type; EPIDERMOLYSIS BULLOSA SIMPLEX 5A, OGNA TYPE. Identifiers: Orphanet 79401, MedGen C0432317, MONDO:0007555, OMIM 131950.
Autosomal recessive limb-girdle muscular dystrophy type 2Q (LGMDR17). Also called: MUSCULAR DYSTROPHY, LIMB-GIRDLE, AUTOSOMAL RECESSIVE 17. Identifiers: Orphanet 254361, MedGen C3150989, MONDO:0013390, OMIM 613723.
Epidermolysis bullosa simplex 5C, with pyloric atresia (EBS5C). Also called: PLEC-Related Epidermolysis Bullosa with Pyloric Atresia; Epidermolysis bullosa simplex with pyloric atresia; PLEC1-Related Epidermolysis Bullosa with Pyloric Atresia. Identifiers: Orphanet 158684, MedGen C2677349, MONDO:0012807, OMIM 612138.
Epidermolysis bullosa simplex 5B, with muscular dystrophy (EBS5B). Also called: EPIDERMOLYSIS BULLOSA SIMPLEX AND LIMB-GIRDLE MUSCULAR DYSTROPHY; Epidermolysis bullosa simplex with muscular dystrophy. Identifiers: Orphanet 257, MedGen C2931072, MONDO:0009181, OMIM 226670.

Allele frequency attached by ClinVar (database versions not stated): gnomAD exomes 0.00004; gnomAD 0.00005 and 0.00006; TOPMed 0.00006; 1000 Genomes Project 0.00020; 1000 Genomes Project 30x 0.00031.
gnomAD v4.1: 67 of 1,583,376 alleles (0.0042%); highest among the groups gnomAD compares: East Asian, 0.014%; 1 homozygote.

Submissions (4):

Labcorp Genetics (formerly Invitae), Labcorp
Classification: Uncertain significance for Autosomal recessive limb-girdle muscular dystrophy type 2Q; Epidermolysis bullosa simplex, Ogna type; Epidermolysis bullosa simplex with nail dystrophy; Epidermolysis bullosa simplex 5C, with pyloric atresia; Epidermolysis bullosa simplex 5B, with muscular dystrophy. Last evaluated: 2025-12-24. Review status: criteria provided, single submitter. Criteria: Invitae Variant Classification Sherloc (09022015). Collection method: clinical testing. Allele origin: germline.
Comment: This sequence change replaces arginine, which is basic and polar, with histidine, which is basic and polar, at codon 2011 of the PLEC protein (p.Arg2011His). This variant is present in population databases (rs575072418, gnomAD 0.02%). This variant has not been reported in the literature in individuals affected with PLEC-related conditions. ClinVar contains an entry for this variant (Variation ID: 471620). Experimental studies and prediction algorithms are not available or were not evaluated, and the functional significance of this variant is currently unknown. In summary, the available evidence is currently insufficient to determine the role of this variant in disease. Therefore, it has been classified as a Variant of Uncertain Significance.

GeneDx
Classification: Likely benign. Last evaluated: 2025-06-06. Review status: criteria provided, single submitter. Criteria: GeneDx Variant Classification Process June 2021. Collection method: clinical testing. Allele origin: germline. Affected: yes.
Comment: See Variant Classification Assertion Criteria.

Revvity Omics, Revvity
Classification: Uncertain significance. Last evaluated: 2019-06-20. Review status: criteria provided, single submitter. Criteria: ACMG Guidelines, 2015. Collection method: clinical testing. Allele origin: germline.

Eurofins Ntd Llc (ga)
Classification: Uncertain significance. Last evaluated: 2017-04-17. Review status: criteria provided, single submitter. Criteria: EGL Classification Definitions 2015. Collection method: clinical testing. Allele origin: germline. Observed: 2 variant alleles, 2 heterozygotes.

NM_201384.3(PLEC):c.5951G>A (p.Arg1984His)

Gene: PLEC (plectin; minus strand). Cytogenetic location: 8q24.3.
Variant type: single nucleotide variant.
Coding change: c.5951G>A on transcript NM_201384.3 (MANE Select); coding-DNA position 5951, G replaced by A.
Protein change: p.Arg1984His; replaces arginine 1984 with histidine.
Molecular consequence: missense variant.
Genome position (GRCh38, 1-based): chr8:143,923,978, C>T on the plus strand (G>A on the coding strand, the complement: PLEC is on the minus strand). VCF-style: chr8-143923978-C-T. GRCh37 (hg19) VCF-style: chr8-144998146-C-T.
Other names: c.6032G>A (NM_000445.3); c.6032G>A, p.Arg2011His (NM_000445.5); c.5909G>A, p.Arg1970His (NM_201378.4); c.5885G>A, p.Arg1962His (NM_201379.3); c.6362G>A, p.Arg2121His (NM_201380.4); c.5855G>A, p.Arg1952His (NM_201381.3); c.5951G>A, p.Arg1984His (NM_201382.4); c.5963G>A, p.Arg1988His (NM_201383.3); short protein forms R1970H, R1988H, R2121H, R1952H, R1962H, R1984H, R2011H.
Identifiers: ClinVar variation 471620 (VCV000471620.15), dbSNP rs575072418, ClinGen allele CA4926169.